The following is an entry in ClinVar:

ClinVar aggregate classification (germline): Conflicting classifications of pathogenicity. Review status: criteria provided, conflicting classifications (1 of 4 stars). 5 submissions from 5 submitters: Uncertain significance (4); Likely benign (1). Last evaluated 2026-03-01.

Conditions:
Inborn genetic diseases. Identifiers: MedGen C0950123, MeSH D030342.

Allele frequency attached by ClinVar (database versions not stated): TOPMed 0.00017; gnomAD 0.00019; gnomAD exomes 0.00021 and 0.00027; ExAC 0.00035; ESP Exome Variant Server 0.00038.
gnomAD v4.1: 334 of 1,613,876 alleles (0.021%); highest among the groups gnomAD compares: Non-Finnish European, 0.025%; 2 homozygotes.

Submissions (5):

CeGaT Center for Human Genetics Tuebingen
Classification: Likely benign. Last evaluated: 2026-03-01. Review status: criteria provided, single submitter. Criteria: CeGaT Center For Human Genetics Tuebingen Variant Classification Criteria Version 2. Collection method: clinical testing. Allele origin: germline. Affected: yes. Observed: 1 variant allele.
Comment: RARS1: BS2

Labcorp Genetics (formerly Invitae), Labcorp
Classification: Uncertain significance. Last evaluated: 2025-10-07. Review status: criteria provided, single submitter. Criteria: Invitae Variant Classification Sherloc (09022015). Collection method: clinical testing. Allele origin: germline.
Comment: This sequence change replaces methionine, which is neutral and non-polar, with leucine, which is neutral and non-polar, at codon 635 of the RARS protein (p.Met635Leu). This variant is present in population databases (rs150166808, gnomAD 0.05%). This variant has not been reported in the literature in individuals affected with RARS-related conditions. ClinVar contains an entry for this variant (Variation ID: 1680448). Invitae Evidence Modeling of protein sequence and biophysical properties (such as structural, functional, and spatial information, amino acid conservation, physicochemical variation, residue mobility, and thermodynamic stability) indicates that this missense variant is not expected to disrupt RARS protein function with a negative predictive value of 80%. In summary, the available evidence is currently insufficient to determine the role of this variant in disease. Therefore, it has been classified as a Variant of Uncertain Significance.

Ambry Genetics
Classification: Uncertain significance for Inborn genetic diseases. Last evaluated: 2025-08-01. Review status: criteria provided, single submitter. Criteria: Ambry Variant Classification Scheme 2023. Collection method: clinical testing. Allele origin: germline.

Blueprint Genetics
Classification: Uncertain significance. Last evaluated: 2024-11-19. Review status: criteria provided, single submitter. Criteria: ACMG Guidelines, 2015. Collection method: clinical testing. Allele origin: germline.

GeneDx
Classification: Uncertain significance. Last evaluated: 2023-09-08. Review status: criteria provided, single submitter. Criteria: GeneDx Variant Classification Process June 2021. Collection method: clinical testing. Allele origin: germline. Affected: yes.
Comment: In silico analysis supports that this missense variant does not alter protein structure/function; Has not been previously published as pathogenic or benign to our knowledge

NM_002887.4(RARS1):c.1903A>T (p.Met635Leu)

Gene: RARS1 (arginyl-tRNA synthetase 1; plus strand). Cytogenetic location: 5q34.
Variant type: single nucleotide variant.
Coding change: c.1903A>T on transcript NM_002887.4 (MANE Select); coding-DNA position 1903, A replaced by T.
Protein change: p.Met635Leu; replaces methionine 635 with leucine.
Molecular consequence: missense variant.
Genome position (GRCh38, 1-based): chr5:168,519,110, A>T. VCF-style: chr5-168519110-A-T. GRCh37 (hg19) VCF-style: chr5-167946115-A-T.
Other names: c.1903A>T (NM_002887.3); short protein forms M635L.
Identifiers: ClinVar variation 1680448 (VCV001680448.14), dbSNP rs150166808, ClinGen allele CA3550070.